The following is an entry in ClinVar:

NM_176824.3(BBS7):c.2104A>G (p.Ser702Gly)

Gene: BBS7 (Bardet-Biedl syndrome 7; minus strand). Cytogenetic location: 4q27.
Variant type: single nucleotide variant.
Coding change: c.2104A>G on transcript NM_176824.3 (MANE Select); coding-DNA position 2104, A replaced by G.
Protein change: p.Ser702Gly; replaces serine 702 with glycine.
Molecular consequence: missense variant.
Genome position (GRCh38, 1-based): chr4:121,825,904, T>C on the plus strand (A>G on the coding strand, the complement: BBS7 is on the minus strand). VCF-style: chr4-121825904-T-C. GRCh37 (hg19) VCF-style: chr4-122747059-T-C.
Other names: short protein forms S702G.
Identifiers: ClinVar variation 3348415 (VCV003348415.3).
Genomic context (GRCh38, chr4:121,825,904, plus strand): 5'-TTACCTTATTTGTATGTCATGCTGCATCGAAGAATGAAATCAATGCATTTTGGTCATAAC[T>C]GTCCAGAATTTCCAATAGAAGGGGTACTTTAGTTTTTACATTGGTGCCTTTAAACTTAAA-3'
Protein context (NP_789794.1, residues 692-712): KVPLLLEILD[Ser702Gly]YDQNALISFF

ClinVar aggregate classification (germline): Uncertain significance. Review status: criteria provided, multiple submitters, no conflicts (2 of 4 stars). 3 submissions from 3 submitters: Uncertain significance (2). 1 of the submissions does not count toward it. Last evaluated 2025-11-20.

Conditions:
Bardet-Biedl syndrome 7 (BBS7). Identifiers: Orphanet 110, MedGen C1859565, MONDO:0014435, OMIM 615984.
Inborn genetic diseases. Identifiers: MedGen C0950123, MeSH D030342.
BBS7-related disorder. Also called: BBS7-related condition.

gnomAD v4.1: 17 of 1,613,120 alleles (0.0011%); highest among the groups gnomAD compares: Non-Finnish European, 0.0014%; no homozygotes.

Submissions (3):

Ambry Genetics
Classification: Uncertain significance for Inborn genetic diseases. Last evaluated: 2025-11-20. Review status: criteria provided, single submitter. Criteria: Ambry Variant Classification Scheme 2023. Collection method: clinical testing. Allele origin: germline.

Fulgent Genetics
Classification: Uncertain significance for Bardet-Biedl syndrome 7. Last evaluated: 2024-03-02. Review status: criteria provided, single submitter. Criteria: ACMG Guidelines, 2015. Collection method: clinical testing. Allele origin: germline.

PreventionGenetics, part of Exact Sciences
Classification: Uncertain significance for BBS7-related condition. Last evaluated: 2024-08-30. Review status: no assertion criteria provided. Collection method: clinical testing. Allele origin: germline. Not counted in ClinVar's aggregate classification.
Comment: The BBS7 c.2104A>G variant is predicted to result in the amino acid substitution p.Ser702Gly. To our knowledge, this variant has not been reported in the literature or in a large population database, indicating this variant is rare. At this time, the clinical significance of this variant is uncertain due to the absence of conclusive functional and genetic evidence.